The following continues an entry in ClinVar:

NM_000218.3(KCNQ1):c.1637C>T (p.Ser546Leu)

Gene: KCNQ1. ClinVar aggregate classification (germline): Pathogenic. Pathogenic (10).

Submissions 9 to 11 of 11:

3billion
Classification: Pathogenic for Long QT syndrome 1. Last evaluated: 2022-01-03. Review status: criteria provided, single submitter. Criteria: ACMG Guidelines, 2015. Collection method: clinical testing. Allele origin: germline. Affected: yes. Observed: 1 heterozygote.
Comment: Same nucleotide change resulting in same amino acid change has been previously reported as pathogenic/likely pathogenic with strong evidence (ClinVar ID: VCV000053000, PMID:15466642, PS1_S). The variant has been observed in multiple (>3) similarly affected unrelated individuals (PMID: 22456477, 17905336, 22949429, 26675252, PS4_S). In silico tool predictions suggest damaging effect of the variant on gene or gene product (REVEL: 0.94, 3CNET: 0.993, PP3_P). A missense variant is a common mechanism associated with Long QT syndrome 1 (PP2_P). It is not observed in the gnomAD v2.1.1 dataset (PM2_M).Therefore, this variant is classified as pathogenic according to the recommendation of ACMG/AMP guideline.

Eurofins Ntd Llc (ga)
Classification: Pathogenic. Last evaluated: 2014-11-10. Review status: criteria provided, single submitter. Criteria: EGL Classification Definitions 2015. Collection method: clinical testing. Allele origin: germline. Observed: 1 variant allele, 1 heterozygote.

Cardiovascular Biomedical Research Unit, Royal Brompton & Harefield NHS Foundation Trust
No classification provided. Condition: Familial long QT syndrome. Review status: no classification provided. Collection method: literature only. Allele origin: germline. Not counted in ClinVar's aggregate classification.
Comment: This variant has been reported as associated with Long QT syndrome in the following publications (PMID:15176425;PMID:15466642;PMID:15840476;PMID:17905336;PMID:19716085;PMID:19808498;PMID:19841300). This is a literature report, and does not necessarily reflect the clinical interpretation of the Imperial College / Royal Brompton Cardiovascular Genetics laboratory.

Literature cited by the submitters: PubMed 15466642 (cited by 9 submitters); PubMed 15840476 (cited by 6 submitters); PubMed 17905336 (cited by 8 submitters); PubMed 19716085 (cited by 5 submitters); PubMed 22456477 (cited by 5 submitters); PubMed 22949429 (cited by 6 submitters); PubMed 26675252 (cited by 5 submitters); PubMed 27026747 (cited by 4 submitters); PubMed 19808498 (cited by 8 submitters); PubMed 25037568 (cited by 5 submitters); PubMed 32383558 (cited by Color Diagnostics, LLC DBA Color Health and Mayo Clinic Laboratories, Mayo Clinic); PubMed 32893267 (cited by Color Diagnostics, LLC DBA Color Health); PubMed 39073097 (cited by Color Diagnostics, LLC DBA Color Health); PubMed 19841300 (cited by 4 submitters); PubMed 28438721 (cited by Victorian Clinical Genetics Services, Murdoch Childrens Research Institute); PubMed 20301308 (cited by Victorian Clinical Genetics Services, Murdoch Childrens Research Institute); PubMed 19632626 (cited by Victorian Clinical Genetics Services, Murdoch Childrens Research Institute); PubMed 34505893 (cited by Variantyx, Inc. and Mayo Clinic Laboratories, Mayo Clinic); PubMed 32901917 (cited by Variantyx, Inc. and Mayo Clinic Laboratories, Mayo Clinic); PubMed 20486126 (cited by Ambry Genetics); PubMed 21131640 (cited by Ambry Genetics and Mayo Clinic Laboratories, Mayo Clinic); PubMed 21185501 (cited by Ambry Genetics and Mayo Clinic Laboratories, Mayo Clinic); PubMed 24363352 (cited by Ambry Genetics); PubMed 24721657 (cited by Ambry Genetics); PubMed 27807201 (cited by Ambry Genetics); PubMed 15176425 (cited by Mayo Clinic Laboratories, Mayo Clinic and Cardiovascular Biomedical Research Unit, Royal Brompton & Harefield NHS Foundation Trust); PubMed 36505078 (cited by Mayo Clinic Laboratories, Mayo Clinic); PubMed 22581653 (cited by Cardiovascular Biomedical Research Unit, Royal Brompton & Harefield NHS Foundation Trust).